The following is an entry in ClinVar:

ClinVar aggregate classification (germline): Uncertain significance (1 of 4 stars; one submission).

Conditions:
IFT172-related disorder. Also called: IFT172-related condition; IFT172-related disorders.

gnomAD v4.1: 31 of 1,611,658 alleles (0.0019%); highest among the groups gnomAD compares: Non-Finnish European, 0.0025%; no homozygotes.

Submission:

PreventionGenetics, part of Exact Sciences
Classification: Uncertain significance for IFT172-related condition. Last evaluated: 2025-07-07. Review status: criteria provided, single submitter. Criteria: ACMG Guidelines, 2015. Collection method: clinical testing. Allele origin: germline.
Comment: The IFT172 c.3728G>A variant is predicted to result in the amino acid substitution p.Ser1243Asn. To our knowledge, this variant has not been reported in the literature. This variant is reported in 0.0016% of alleles in individuals of European (Non-Finnish) descent in gnomAD. At this time, the clinical significance of this variant is uncertain due to the absence of conclusive functional and genetic evidence.

NM_015662.3(IFT172):c.3728G>A (p.Ser1243Asn)

Genes: IFT172 (intraflagellar transport 172; minus strand), LOC126806173 (BRD4-independent group 4 enhancer GRCh37_chr2:27676057-27677256; plus strand). Cytogenetic location: 2p23.3.
Variant type: single nucleotide variant.
Coding change: c.3728G>A on transcript NM_015662.3 (MANE Select); coding-DNA position 3728, G replaced by A.
Protein change: p.Ser1243Asn; replaces serine 1243 with asparagine.
Molecular consequence: missense variant.
Genome position (GRCh38, 1-based): chr2:27,453,723, C>T on the plus strand (G>A on the coding strand, the complement: IFT172 is on the minus strand). VCF-style: chr2-27453723-C-T. GRCh37 (hg19) VCF-style: chr2-27676590-C-T.
Other names: c.3662G>A, p.Ser1221Asn (NM_001410739.1); short protein forms S1243N, S1221N.
Identifiers: ClinVar variation 4977737 (VCV004977737.1).